The following is an entry in ClinVar:

NM_001267550.2(TTN):c.50717C>A (p.Pro16906Gln)

Genes: TTN (titin; minus strand), TTN-AS1 (TTN antisense RNA 1; plus strand). Cytogenetic location: 2q31.2.
Variant type: single nucleotide variant.
Coding change: c.50717C>A on transcript NM_001267550.2 (MANE Select); coding-DNA position 50717, C replaced by A.
Protein change: p.Pro16906Gln; replaces proline 16906 with glutamine.
Molecular consequence: missense variant.
Genome position (GRCh38, 1-based): chr2:178,611,512, G>T on the plus strand (C>A on the coding strand, the complement: TTN is on the minus strand). VCF-style: chr2-178611512-G-T. GRCh37 (hg19) VCF-style: chr2-179476239-G-T.
Other names: c.45794C>A, p.Pro15265Gln (NM_001256850.1); c.23522C>A, p.Pro7841Gln (NM_003319.4); c.43013C>A, p.Pro14338Gln (NM_133378.4); c.23897C>A, p.Pro7966Gln (NM_133432.3); c.24098C>A, p.Pro8033Gln (NM_133437.4); short protein forms P14338Q, P16906Q, P7841Q, P15265Q, P7966Q, P8033Q.
Identifiers: ClinVar variation 1790024 (VCV001790024.2), dbSNP rs1451657059, ClinGen allele CA349593251.

ClinVar aggregate classification (germline): Uncertain significance (1 of 4 stars; one submission).

Conditions:
Cardiovascular phenotype. Identifiers: MedGen CN230736.

Allele frequency attached by ClinVar (database versions not stated): TOPMed below 0.00001; gnomAD 0.00001.
gnomAD v4.1: 1 of 1,612,746 alleles (0.000062%); highest among the groups gnomAD compares: Non-Finnish European, 0.000085%; no homozygotes.

Submission:

Ambry Genetics
Classification: Uncertain significance for Cardiovascular phenotype. Last evaluated: 2020-08-20. Review status: criteria provided, single submitter. Criteria: Ambry Variant Classification Scheme 2023. Collection method: clinical testing. Allele origin: germline.
Comment: The p.P7841Q variant (also known as c.23522C>A), located in coding exon 96 of the TTN gene, results from a C to A substitution at nucleotide position 23522. The proline at codon 7841 is replaced by glutamine, an amino acid with similar properties. This amino acid position is highly conserved in available vertebrate species. In addition, this alteration is predicted to be tolerated by in silico analysis. Since supporting evidence is limited at this time, the clinical significance of this alteration remains unclear.